The following is an entry in ClinVar:

NM_024675.4(PALB2):c.2586+3C>G

Gene: PALB2 (partner and localizer of BRCA2; minus strand). Cytogenetic location: 16p12.2.
Variant type: single nucleotide variant.
Coding change: c.2586+3C>G on transcript NM_024675.4 (MANE Select); 3 bases into the intron after coding-DNA position 2586, C replaced by G.
Molecular consequence: intron variant.
Genome position (GRCh38, 1-based): chr16:23,629,201, G>C on the plus strand (C>G on the coding strand, the complement: PALB2 is on the minus strand). VCF-style: chr16-23629201-G-C. GRCh37 (hg19) VCF-style: chr16-23640522-G-C.
Identifiers: ClinVar variation 949944 (VCV000949944.10), dbSNP rs1597088078, ClinGen allele CA1139664585.

ClinVar aggregate classification (germline): Uncertain significance (1 of 4 stars; one submission).

Conditions:
Familial cancer of breast. Also called: BREAST CANCER, FAMILIAL; Hereditary breast cancer; hereditary breast carcinoma. Identifiers: Orphanet 227535, MedGen C0346153, MONDO:0016419, OMIM 114480. Disease mechanism: loss of function.

Submission:

Labcorp Genetics (formerly Invitae), Labcorp
Classification: Uncertain significance for Familial cancer of breast. Last evaluated: 2019-04-26. Review status: criteria provided, single submitter. Criteria: Invitae Variant Classification Sherloc (09022015). Collection method: clinical testing. Allele origin: germline.
Comment: Nucleotide substitutions within the consensus splice site are a relatively common cause of aberrant splicing (PMID: 17576681, 9536098). Algorithms developed to predict the effect of sequence changes on RNA splicing suggest that this variant is not likely to affect RNA splicing, but this prediction has not been confirmed by published transcriptional studies. This sequence change falls in intron 6 of the PALB2 gene. It does not directly change the encoded amino acid sequence of the PALB2 protein, but it affects a nucleotide within the consensus splice site of the intron. This variant is not present in population databases (ExAC no frequency). This variant has not been reported in the literature in individuals with PALB2-related conditions. In summary, the available evidence is currently insufficient to determine the role of this variant in disease. Therefore, it has been classified as a Variant of Uncertain Significance.

Literature cited by the submitters: PubMed 17576681; PubMed 9536098.